The following is an entry in ClinVar:

NM_000368.5(TSC1):c.358C>A (p.Leu120Ile)

Gene: TSC1 (TSC complex subunit 1; minus strand). Cytogenetic location: 9q34.13.
Variant type: single nucleotide variant.
Coding change: c.358C>A on transcript NM_000368.5 (MANE Select); coding-DNA position 358, C replaced by A.
Protein change: p.Leu120Ile; replaces leucine 120 with isoleucine.
Molecular consequence: missense variant. On other transcripts: 5 prime UTR variant (1), intron variant (1).
Genome position (GRCh38, 1-based): chr9:132,925,592, G>T on the plus strand (C>A on the coding strand, the complement: TSC1 is on the minus strand). VCF-style: chr9-132925592-G-T. GRCh37 (hg19) VCF-style: chr9-135800979-G-T.
Other names: c.358C>A, p.Leu120Ile (NM_001162426.2); c.-6C>A (NM_001362177.2); c.210+1609C>A (NM_001162427.2); short protein forms L120I.
Identifiers: ClinVar variation 534447 (VCV000534447.7), dbSNP rs1554820263, ClinGen allele CA375374305.

ClinVar aggregate classification (germline): Uncertain significance. Review status: criteria provided, multiple submitters, no conflicts (2 of 4 stars). 2 submissions from 2 submitters: Uncertain significance (2). Last evaluated 2024-03-18.

Conditions:
Tuberous sclerosis 1 (TSC1). Identifiers: Orphanet 805, MedGen C1854465, MONDO:0008612, OMIM 191100.
Hereditary cancer-predisposing syndrome. Also called: Neoplastic Syndromes, Hereditary; Hereditary neoplastic syndrome; Tumor predisposition; Hereditary Cancer Syndrome. Identifiers: Orphanet 140162, MedGen C0027672, MeSH D009386, MONDO:0015356.

Submissions (2):

Ambry Genetics
Classification: Uncertain significance for Hereditary cancer-predisposing syndrome. Last evaluated: 2024-03-18. Review status: criteria provided, single submitter. Criteria: Ambry Variant Classification Scheme 2023. Collection method: clinical testing. Allele origin: germline.
Comment: The p.L120I variant (also known as c.358C>A), located in coding exon 3 of the TSC1 gene, results from a C to A substitution at nucleotide position 358. The leucine at codon 120 is replaced by isoleucine, an amino acid with highly similar properties. This amino acid position is conserved. In addition, the in silico prediction for this alteration is inconclusive. Based on the available evidence, the clinical significance of this alteration remains unclear.

Labcorp Genetics (formerly Invitae), Labcorp
Classification: Uncertain significance for Tuberous sclerosis 1. Last evaluated: 2021-09-03. Review status: criteria provided, single submitter. Criteria: Invitae Variant Classification Sherloc (09022015). Collection method: clinical testing. Allele origin: germline.
Comment: In summary, the available evidence is currently insufficient to determine the role of this variant in disease. Therefore, it has been classified as a Variant of Uncertain Significance. This sequence change replaces leucine with isoleucine at codon 120 of the TSC1 protein (p.Leu120Ile). The leucine residue is highly conserved and there is a small physicochemical difference between leucine and isoleucine. This variant is not present in population databases (ExAC no frequency). This variant has not been reported in the literature in individuals affected with TSC1-related conditions. Algorithms developed to predict the effect of missense changes on protein structure and function are either unavailable or do not agree on the potential impact of this missense change (SIFT: "Deleterious"; PolyPhen-2: "Possibly Damaging"; Align-GVGD: "Class C0").